The following is an entry in ClinVar:

NM_024675.4(PALB2):c.1857T>C (p.Phe619=)

Gene: PALB2 (partner and localizer of BRCA2; minus strand). Cytogenetic location: 16p12.2.
Variant type: single nucleotide variant.
Coding change: c.1857T>C on transcript NM_024675.4 (MANE Select); coding-DNA position 1857, T replaced by C.
Protein change: p.Phe619=; no amino-acid change (phenylalanine 619 retained).
Molecular consequence: synonymous variant.
Genome position (GRCh38, 1-based): chr16:23,630,297, A>G on the plus strand (T>C on the coding strand, the complement: PALB2 is on the minus strand). VCF-style: chr16-23630297-A-G. GRCh37 (hg19) VCF-style: chr16-23641618-A-G.
Identifiers: ClinVar variation 496462 (VCV000496462.9), dbSNP rs1555460623, ClinGen allele CA494461233.

ClinVar aggregate classification (germline): Benign/Likely benign. Review status: criteria provided, multiple submitters, no conflicts (2 of 4 stars). 5 submissions from 5 submitters: Benign (1); Likely benign (4). Last evaluated 2026-08-24.

Conditions:
Hereditary cancer-predisposing syndrome. Also called: Hereditary Cancer Syndrome; Tumor predisposition; Hereditary neoplastic syndrome; Neoplastic Syndromes, Hereditary. Identifiers: Orphanet 140162, MedGen C0027672, MeSH D009386, MONDO:0015356.
Familial cancer of breast. Also called: Hereditary breast cancer; hereditary breast carcinoma; BREAST CANCER, FAMILIAL. Identifiers: Orphanet 227535, MedGen C0346153, MONDO:0016419, OMIM 114480. Disease mechanism: loss of function.

Submissions (5):

Ambry Genetics
Classification: Likely benign for Hereditary cancer-predisposing syndrome. Last evaluated: 2026-08-24. Review status: criteria provided, single submitter. Criteria: Ambry Variant Classification Scheme 2023. Collection method: clinical testing. Allele origin: germline.

Labcorp Genetics (formerly Invitae), Labcorp
Classification: Likely benign for Familial cancer of breast. Last evaluated: 2025-10-27. Review status: criteria provided, single submitter. Criteria: Invitae Variant Classification Sherloc (09022015). Collection method: clinical testing. Allele origin: germline.

Myriad Genetics, Inc.
Classification: Benign for Familial cancer of breast. Last evaluated: 2025-01-14. Review status: criteria provided, single submitter. Criteria: Myriad Autosomal Dominant, Autosomal Recessive and X-Linked Classification Criteria (2023). Collection method: clinical testing. Allele origin: unknown.
Comment: This variant is considered benign. This variant is a silent/synonymous amino acid change and it is not expected to impact splicing.

Color Diagnostics, LLC DBA Color Health
Classification: Likely benign for Hereditary cancer-predisposing syndrome. Last evaluated: 2020-12-11. Review status: criteria provided, single submitter. Criteria: ACMG Guidelines, 2015. Collection method: clinical testing. Allele origin: germline.

Women's Health and Genetics/Laboratory Corporation of America, LabCorp
Classification: Likely benign. Last evaluated: 2019-08-29. Review status: criteria provided, single submitter. Criteria: LabCorp Variant Classification Summary - May 2015. Collection method: clinical testing. Allele origin: germline.